The following is an entry in ClinVar:

NM_001375380.1(EBF3):c.454C>G (p.Arg152Gly)

Gene: EBF3 (EBF transcription factor 3; minus strand). Cytogenetic location: 10q26.3.
Variant type: single nucleotide variant.
Coding change: c.454C>G on transcript NM_001375380.1 (MANE Select); coding-DNA position 454, C replaced by G.
Protein change: p.Arg152Gly; replaces arginine 152 with glycine.
Molecular consequence: missense variant.
Genome position (GRCh38, 1-based): chr10:129,958,965, G>C on the plus strand (C>G on the coding strand, the complement: EBF3 is on the minus strand). VCF-style: chr10-129958965-G-C. GRCh37 (hg19) VCF-style: chr10-131757229-G-C.
Other names: c.454C>G, p.Arg152Gly (NM_001005463.3, NM_001375379.1, NM_001375389.1 and 3 more transcripts); short protein forms R152G.
Identifiers: ClinVar variation 1306764 (VCV001306764.5), dbSNP rs2134623972, ClinGen allele CA378910669.
Genomic context (GRCh38, chr10:129,958,965, plus strand): 5'-GCCCCCGCCGCCCGCCGCCCGCCGCTCACCTGCACATGATCTCGTGGGTCAGCAGCACAC[G>C]GCACATCTCCGGGTTCTTGTCCTGGCCCTCGTAGACGATGGCCTGCGCGAGGGACAAGCA-3'
Protein context (NP_001362309.1, residues 142-162): EGQDKNPEMC[Arg152Gly]VLLTHEIMCS

ClinVar aggregate classification (germline): Pathogenic. Review status: criteria provided, multiple submitters, no conflicts (2 of 4 stars). 2 submissions from 2 submitters: Pathogenic (2). Last evaluated 2026-02-18.

Conditions:
Inborn genetic diseases. Identifiers: MedGen C0950123, MeSH D030342.

Submissions (2):

Ambry Genetics
Classification: Pathogenic for Inborn genetic diseases. Last evaluated: 2026-02-18. Review status: criteria provided, single submitter. Criteria: Ambry Variant Classification Scheme 2023. Collection method: clinical testing. Allele origin: germline.
Comment: The c.454C>G (p.R152G) alteration is located in exon 5 (coding exon 5) of the EBF3 gene. This alteration results from a C to G substitution at nucleotide position 454, causing the arginine (R) at amino acid position 152 to be replaced by a glycine (G). This variant was not reported in population-based cohorts in the Genome Aggregation Database (gnomAD). This variant was reported in individuals with features consistent with EBF3-related neurodevelopmental disorder; in at least one individual, it was determined to be de novo (external communication). This amino acid position is highly conserved in available vertebrate species. This missense variant is located in a region that has a low rate of benign missense variation (Lek, 2016; Firth, 2009). Other variant(s) at the same codon, c.455G>T (p.R152L) have been identified in individual(s) with features consistent with EBF3-related neurodevelopmental disorder (Jim&eacute;nez de la Pe&ntilde;a, 2021). In an assay testing EBF3 function, this variant showed a functionally abnormal result (Zhu, 2023). This alteration is predicted to be deleterious by in silico analysis. Based on the available evidence, this alteration is classified as pathogenic.

GeneDx
Classification: Pathogenic. Last evaluated: 2023-10-06. Review status: criteria provided, single submitter. Criteria: GeneDx Variant Classification Process June 2021. Collection method: clinical testing. Allele origin: germline. Affected: yes.
Comment: Published functional studies demonstrate a damaging effect with significantly reduced transcription in luciferase assays when compared with wild-type (Zhu et al., 2023); Not observed in large population cohorts (gnomAD); This variant is associated with the following publications: (PMID: 36937983)

Literature cited by the submitters: PubMed 34177436 (cited by Ambry Genetics); PubMed 36937983 (cited by Ambry Genetics).